The following is an entry in ClinVar:

NM_001278431.2(C1QTNF5):c.306G>A (p.Pro102=)

Genes: C1QTNF5 (C1q and TNF related 5; minus strand), MFRP (membrane frizzled-related protein; minus strand). Cytogenetic location: 11q23.3.
Variant type: single nucleotide variant.
Coding change: c.306G>A on transcript NM_001278431.2 (MANE Select); coding-DNA position 306, G replaced by A.
Protein change: p.Pro102=; no amino-acid change (proline 102 retained).
Molecular consequence: synonymous variant. On other transcripts: 3 prime UTR variant (1).
Genome position (GRCh38, 1-based): chr11:119,339,757, C>T on the plus strand (G>A on the coding strand, the complement: C1QTNF5 is on the minus strand). VCF-style: chr11-119339757-C-T. GRCh37 (hg19) VCF-style: chr11-119210467-C-T.
Other names: c.306G>A, p.Pro102= (NM_015645.5); c.*1202G>A (NM_031433.4).
Identifiers: ClinVar variation 501981 (VCV000501981.10), dbSNP rs751346951, ClinGen allele CA6319963.

ClinVar aggregate classification (germline): Conflicting classifications of pathogenicity. Review status: criteria provided, conflicting classifications (1 of 4 stars). 3 submissions from 3 submitters: Uncertain significance (1); Likely benign (1). 1 of the submissions does not count toward it. Last evaluated 2023-06-14.

Conditions:
C1QTNF5-related disorder. Also called: C1QTNF5-related condition.

Allele frequency attached by ClinVar (database versions not stated): gnomAD exomes 0.00001; ExAC 0.00003.
gnomAD v4.1: 10 of 1,588,538 alleles (0.00063%); highest among the groups gnomAD compares: South Asian, 0.0022%; no homozygotes.

Submissions (3):

Labcorp Genetics (formerly Invitae), Labcorp
Classification: Likely benign. Last evaluated: 2023-06-14. Review status: criteria provided, single submitter. Criteria: Invitae Variant Classification Sherloc (09022015). Collection method: clinical testing. Allele origin: germline.

Eurofins Ntd Llc (ga)
Classification: Uncertain significance. Last evaluated: 2017-05-12. Review status: criteria provided, single submitter. Criteria: EGL Classification Definitions 2015. Collection method: clinical testing. Allele origin: germline. Observed: 1 variant allele, 1 heterozygote.

PreventionGenetics, part of Exact Sciences
Classification: Likely benign for C1QTNF5-related condition. Last evaluated: 2019-08-29. Review status: no assertion criteria provided. Collection method: clinical testing. Allele origin: germline. Not counted in ClinVar's aggregate classification.
Comment: This variant is classified as likely benign based on ACMG/AMP sequence variant interpretation guidelines (Richards et al. 2015 PMID: 25741868, with internal and published modifications).